The following is an entry in ClinVar:

NM_001458.5(FLNC):c.1387C>T (p.Pro463Ser)

Gene: FLNC (filamin C; plus strand). Cytogenetic location: 7q32.1.
Variant type: single nucleotide variant.
Coding change: c.1387C>T on transcript NM_001458.5 (MANE Select); coding-DNA position 1387, C replaced by T.
Protein change: p.Pro463Ser; replaces proline 463 with serine.
Molecular consequence: missense variant.
Genome position (GRCh38, 1-based): chr7:128,838,779, C>T. VCF-style: chr7-128838779-C-T. GRCh37 (hg19) VCF-style: chr7-128478833-C-T.
Other names: c.1387C>T, p.Pro463Ser (NM_001127487.2); short protein forms P463S.
Identifiers: ClinVar variation 5021963 (VCV005021963.1).

ClinVar aggregate classification (germline): Uncertain significance (1 of 4 stars; one submission).

Conditions:
Cardiovascular phenotype. Identifiers: MedGen CN230736.

Submission:

Ambry Genetics
Classification: Uncertain significance for Cardiovascular phenotype. Last evaluated: 2026-08-16. Review status: criteria provided, single submitter. Criteria: Ambry Variant Classification Scheme 2023. Collection method: clinical testing. Allele origin: germline.
Comment: The p.P463S variant (also known as c.1387C>T), located in coding exon 8 of the FLNC gene, results from a C to T substitution at nucleotide position 1387. The proline at codon 463 is replaced by serine, an amino acid with similar properties. This amino acid position is conserved. In addition, this alteration is predicted to be deleterious by in silico analysis. Based on the available evidence, the clinical significance of this variant remains unclear.